The following is an entry in ClinVar:

NM_001127222.2(CACNA1A):c.2998G>C (p.Glu1000Gln)

Gene: CACNA1A (calcium voltage-gated channel subunit alpha1 A; minus strand). Cytogenetic location: 19p13.13.
Variant type: single nucleotide variant.
Coding change: c.2998G>C on transcript NM_001127222.2 (MANE Select); coding-DNA position 2998, G replaced by C.
Protein change: p.Glu1000Gln; replaces glutamic acid 1000 with glutamine.
Molecular consequence: missense variant.
Genome position (GRCh38, 1-based): chr19:13,298,635, C>G on the plus strand (G>C on the coding strand, the complement: CACNA1A is on the minus strand). VCF-style: chr19-13298635-C-G. GRCh37 (hg19) VCF-style: chr19-13409449-C-G.
Other names: c.3010G>C, p.Glu1004Gln (NM_000068.4, NM_023035.3); c.3001G>C, p.Glu1001Gln (NM_001127221.2, NM_001174080.2); short protein forms E1000Q, E1001Q, E1004Q.
Identifiers: ClinVar variation 3754162 (VCV003754162.2).
Genomic context (GRCh38, chr19:13,298,635, plus strand): 5'-CCCTCCGCGCGTCCCCCTCGTACGTGGCTGGAGCGCCATGCCGGTGCCTTCTCCTGCGCT[C>G]GCCCCCGTCGGGGCCCTCGCCCTCGCCCTCGCCGCCCCGGGCCGGCCGGCTGCCCTCGCG-3'
Protein context (NP_001120694.1, residues 990-1010): EGEGEGPDGG[Glu1000Gln]RRRRHRHGAP

ClinVar aggregate classification (germline): Uncertain significance (1 of 4 stars; one submission).

Conditions:
Episodic ataxia type 2 (EA2). Also called: ATAXIA, EPISODIC, WITH NYSTAGMUS; ATAXIA, FAMILIAL PAROXYSMAL; ACETAZOLAMIDE-RESPONSIVE HEREDITARY PAROXYSMAL CEREBELLAR ATAXIA; CEREBELLAR ATAXIA, PAROXYSMAL, ACETAZOLAMIDE-RESPONSIVE; CEREBELLOPATHY, HEREDITARY PAROXYSMAL; EPISODIC ATAXIA, NYSTAGMUS-ASSOCIATED. Identifiers: Orphanet 97, MedGen C1720416, MONDO:0007163, OMIM 108500.
Developmental and epileptic encephalopathy, 42 (DEE42A). Also called: Epileptic encephalopathy, early infantile, 42; DEVELOPMENTAL AND EPILEPTIC ENCEPHALOPATHY 42A; EPILEPTIC ENCEPHALOPATHY, EARLY INFANTILE, 42A. Identifiers: MedGen C4310716, MONDO:0014917, OMIM 617106.

Submission:

Labcorp Genetics (formerly Invitae), Labcorp
Classification: Uncertain significance for Developmental and epileptic encephalopathy, 42; Episodic ataxia type 2. Last evaluated: 2025-02-03. Review status: criteria provided, single submitter. Criteria: Invitae Variant Classification Sherloc (09022015). Collection method: clinical testing. Allele origin: germline.
Comment: This sequence change replaces glutamic acid, which is acidic and polar, with glutamine, which is neutral and polar, at codon 1001 of the CACNA1A protein (p.Glu1001Gln). This variant is not present in population databases (gnomAD no frequency). This variant has not been reported in the literature in individuals affected with CACNA1A-related conditions. Invitae Evidence Modeling of protein sequence and biophysical properties (such as structural, functional, and spatial information, amino acid conservation, physicochemical variation, residue mobility, and thermodynamic stability) indicates that this missense variant is not expected to disrupt CACNA1A protein function with a negative predictive value of 95%. In summary, the available evidence is currently insufficient to determine the role of this variant in disease. Therefore, it has been classified as a Variant of Uncertain Significance.